The following is an entry in ClinVar:

NM_020937.4(FANCM):c.531G>A (p.Arg177=)

Gene: FANCM (FA complementation group M; plus strand). Cytogenetic location: 14q21.2.
Variant type: single nucleotide variant.
Coding change: c.531G>A on transcript NM_020937.4 (MANE Select); coding-DNA position 531, G replaced by A.
Protein change: p.Arg177=; no amino-acid change (arginine 177 retained).
Molecular consequence: synonymous variant.
Genome position (GRCh38, 1-based): chr14:45,137,091, G>A. VCF-style: chr14-45137091-G-A. GRCh37 (hg19) VCF-style: chr14-45606294-G-A.
Other names: c.531G>A, p.Arg177= (NM_001308133.2, NM_001308134.2).
Identifiers: ClinVar variation 2574190 (VCV002574190.1), dbSNP rs2503039898, ClinGen allele CA486137652.
Genomic context (GRCh38, chr14:45,137,091, plus strand): 5'-CTGAAGTTTAGAATGTAGAATGTCACTTTTATTTTCAGGGTCTACACAAGCTTCCACCAG[G>A]AAGGAAATATGGTGCAGTAAGAGAGTGCTTTTTCTTACACCTCAGGTCATGGTAAATGAC-3'
Protein context (NP_065988.1, residues 167-187): EMTGSTQAST[Arg177=]KEIWCSKRVL

ClinVar aggregate classification (germline): Uncertain significance (1 of 4 stars; one submission).

Submission:

GeneDx
Classification: Uncertain significance. Last evaluated: 2023-01-31. Review status: criteria provided, single submitter. Criteria: GeneDx Variant Classification Process June 2021. Collection method: clinical testing. Allele origin: germline. Affected: yes.
Comment: Not observed at significant frequency in large population cohorts (gnomAD); In silico analysis supports that this variant does not alter splicing; Has not been previously published as pathogenic or benign to our knowledge